The following is an entry in ClinVar:

ClinVar aggregate classification (germline): Uncertain significance. Review status: criteria provided, multiple submitters, no conflicts (2 of 4 stars). 2 submissions from 2 submitters: Uncertain significance (2). Last evaluated 2024-09-11.

Conditions:
Potassium-aggravated myotonia. Also called: Myotonia congenita, atypical, acetazolamide-responsive; MYOTONIA CONGENITA, ACETAZOLAMIDE-RESPONSIVE; MYOTONIA CONGENITA, ATYPICAL; SODIUM CHANNEL MUSCLE DISEASE. Identifiers: Orphanet 612, Orphanet 99734, Orphanet 99735, Orphanet 99736, MedGen C2931826, MONDO:0018959, OMIM 608390.
Congenital myasthenic syndrome 16. Identifiers: Orphanet 590, MedGen C3280112, MONDO:0013620, OMIM 614198.
Paramyotonia congenita of Von Eulenburg. Also called: Paramyotonia Congenita; PARALYSIS PERIODICA PARAMYOTONICA; Eulenburg disease; Myotonia congenita intermittens; Von Eulenburg paramyotonia congenita. Identifiers: Orphanet 684, MedGen C0221055, MONDO:0008195, OMIM 168300. Disease mechanism: loss of function.
Hypokalemic periodic paralysis, type 2 (HOKPP2). Identifiers: Orphanet 681, MedGen C2750061, MONDO:0013234, OMIM 613345.
Congenital myopathy 22A, classic (CMYO22A). Identifiers: MedGen C5830453, MONDO:0957247, OMIM 620351.
Congenital myopathy 22B, severe fetal (CMYO22B). Identifiers: MedGen C5830501, MONDO:0957265, OMIM 620369.
Hyperkalemic periodic paralysis. Also called: Familial hyperkalemic periodic paralysis; Gamstorp disease. Identifiers: Orphanet 682, MedGen C0238357, MONDO:0008224, OMIM 170500, HP:0007215.

Allele frequency attached by ClinVar (database versions not stated): TOPMed 0.00007.
gnomAD v4.1: 19 of 1,608,356 alleles (0.0012%); highest among the groups gnomAD compares: East Asian, 0.0045%; no homozygotes.

Submissions (2):

Labcorp Genetics (formerly Invitae), Labcorp
Classification: Uncertain significance for Hyperkalemic periodic paralysis. Last evaluated: 2024-09-11. Review status: criteria provided, single submitter. Criteria: Invitae Variant Classification Sherloc (09022015). Collection method: clinical testing. Allele origin: germline.
Comment: This sequence change replaces proline, which is neutral and non-polar, with leucine, which is neutral and non-polar, at codon 72 of the SCN4A protein (p.Pro72Leu). This variant is present in population databases (no rsID available, gnomAD 0.006%). This missense change has been observed in individual(s) with atrioventricular nodal reentry tachycardia (PMID: 32508047). ClinVar contains an entry for this variant (Variation ID: 1018675). Invitae Evidence Modeling of protein sequence and biophysical properties (such as structural, functional, and spatial information, amino acid conservation, physicochemical variation, residue mobility, and thermodynamic stability) indicates that this missense variant is expected to disrupt SCN4A protein function with a positive predictive value of 95%. Experimental studies have shown that this missense change affects SCN4A function (PMID: 25660391). In summary, the available evidence is currently insufficient to determine the role of this variant in disease. Therefore, it has been classified as a Variant of Uncertain Significance.

Fulgent Genetics
Classification: Uncertain significance for Paramyotonia congenita of Von Eulenburg; Hyperkalemic periodic paralysis; Potassium-aggravated myotonia; Hypokalemic periodic paralysis, type 2; Congenital myasthenic syndrome 16; Congenital myopathy 22A, classic; Congenital myopathy 22B, severe fetal. Last evaluated: 2024-05-21. Review status: criteria provided, single submitter. Criteria: ACMG Guidelines, 2015. Collection method: clinical testing. Allele origin: germline.

Literature cited by the submitters: PubMed 32508047 (cited by Labcorp Genetics (formerly Invitae), Labcorp); PubMed 25660391 (cited by Labcorp Genetics (formerly Invitae), Labcorp).

NM_000334.4(SCN4A):c.215C>T (p.Pro72Leu)

Gene: SCN4A (sodium voltage-gated channel alpha subunit 4; minus strand). Cytogenetic location: 17q23.3.
Variant type: single nucleotide variant.
Coding change: c.215C>T on transcript NM_000334.4 (MANE Select); coding-DNA position 215, C replaced by T.
Protein change: p.Pro72Leu; replaces proline 72 with leucine.
Molecular consequence: missense variant.
Genome position (GRCh38, 1-based): chr17:63,972,627, G>A on the plus strand (C>T on the coding strand, the complement: SCN4A is on the minus strand). VCF-style: chr17-63972627-G-A. GRCh37 (hg19) VCF-style: chr17-62049987-G-A.
Other names: short protein forms P72L.
Identifiers: ClinVar variation 1018675 (VCV001018675.10), dbSNP rs1303471186, ClinGen allele CA400640230.